The following is an entry in ClinVar:

NM_006231.4(POLE):c.1434C>G (p.Ile478Met)

Gene: POLE (DNA polymerase epsilon, catalytic subunit; minus strand). Cytogenetic location: 12q24.33.
Variant type: single nucleotide variant.
Coding change: c.1434C>G on transcript NM_006231.4 (MANE Select); coding-DNA position 1434, C replaced by G.
Protein change: p.Ile478Met; replaces isoleucine 478 with methionine.
Molecular consequence: missense variant.
Genome position (GRCh38, 1-based): chr12:132,673,203, G>C on the plus strand (C>G on the coding strand, the complement: POLE is on the minus strand). VCF-style: chr12-132673203-G-C. GRCh37 (hg19) VCF-style: chr12-133249789-G-C.
Other names: short protein forms I478M.
Identifiers: ClinVar variation 4743190 (VCV004743190.1).
Genomic context (GRCh38, chr12:132,673,203, plus strand): 5'-GACAGGACAGATAATGCTCACCTCGTCGGGCTCCATGGGAATAATGGTGCACAGAGCAAA[G>C]ATGAATGGGTGGACGTACTTCATGTACAGGTAGTAAGTGGCGACAGCATCTGACACAGAA-3'
Protein context (NP_006222.2, residues 468-488): YLYMKYVHPF[Ile478Met]FALCTIIPME

ClinVar aggregate classification (germline): Uncertain significance (1 of 4 stars; one submission).

Submission:

Labcorp Genetics (formerly Invitae), Labcorp
Classification: Uncertain significance. Last evaluated: 2025-11-02. Review status: criteria provided, single submitter. Criteria: Invitae Variant Classification Sherloc (09022015). Collection method: clinical testing. Allele origin: germline.
Comment: This sequence change replaces isoleucine, which is neutral and non-polar, with methionine, which is neutral and non-polar, at codon 478 of the POLE protein (p.Ile478Met). This variant is not present in population databases (gnomAD no frequency). This variant has not been reported in the literature in individuals affected with POLE-related conditions. Invitae Evidence Modeling of protein sequence and biophysical properties (such as structural, functional, and spatial information, amino acid conservation, physicochemical variation, residue mobility, and thermodynamic stability) indicates that this missense variant is expected to disrupt POLE protein function with a positive predictive value of 80%. In summary, the available evidence is currently insufficient to determine the role of this variant in disease. Therefore, it has been classified as a Variant of Uncertain Significance.